The following is an entry in ClinVar:

NM_000038.6(APC):c.5632_5633dup (p.Ala1879fs)

Gene: APC (APC regulator of Wnt signaling pathway; plus strand). Cytogenetic location: 5q22.2.
Variant type: Duplication.
Coding change: c.5632_5633dup on transcript NM_000038.6 (MANE Select); coding-DNA positions 5632 to 5633, 2 bases duplicated (AA; older notation c.5632_5633dupAA).
Protein change: p.Ala1879fs; shifts the reading frame from alanine 1879.
Molecular consequence: frameshift variant. On other transcripts: non-coding transcript variant (2).
Genome position (GRCh38, 1-based): chr5:112,841,226-112,841,227, AA duplicated; duplicating any 2 consecutive bases within chr5:112,841,224-112,841,227 gives the same sequence; the c. name uses the placement nearest the transcript's 3' end. VCF-style (leftmost placement, unchanged base first): chr5-112841223-G-GAA. GRCh37 (hg19) VCF-style: chr5-112176920-G-GAA.
Other names: c.5632_5633dup, p.Ala1879fs (NM_001127510.3, NM_001354895.2, NM_001407450.1); c.5578_5579dup, p.Ala1861fs (NM_001127511.3); c.5686_5687dup, p.Ala1897fs (NM_001354896.2, NM_001407447.1, NM_001407448.1 and 1 more transcripts); c.5662_5663dup, p.Ala1889fs (NM_001354897.2); c.5557_5558dup, p.Ala1854fs (NM_001354898.2); c.5548_5549dup, p.Ala1851fs (NM_001354899.2); c.5509_5510dup, p.Ala1838fs (NM_001354900.2); c.5455_5456dup, p.Ala1820fs (NM_001354901.2, NM_001407453.1); and 11 more; short protein forms A1495fs, A1596fs, A1719fs, A1750fs, A1753fs, A1778fs, A1788fs, A1796fs.
Identifiers: ClinVar variation 2583225 (VCV002583225.2), dbSNP rs2533656775, ClinGen allele CA2582341460.

ClinVar aggregate classification (germline): Pathogenic (1 of 4 stars; one submission).

Conditions:
Familial adenomatous polyposis 1 (FAP1). Also called: POLYPOSIS, ADENOMATOUS INTESTINAL; FAMILIAL ADENOMATOUS POLYPOSIS 1, ATTENUATED. Identifiers: MedGen C2713442, MONDO:0021056, OMIM 175100. Disease mechanism: loss of function.

Submission:

Myriad Genetics, Inc.
Classification: Pathogenic for Familial adenomatous polyposis 1. Last evaluated: 2023-05-12. Review status: criteria provided, single submitter. Criteria: Myriad Autosomal Dominant, Autosomal Recessive and X-Linked Classification Criteria (2023). Collection method: clinical testing. Allele origin: unknown.
Comment: This variant is considered pathogenic. This variant creates a frameshift predicted to result in premature protein truncation.